The following is an entry in ClinVar:

ClinVar aggregate classification (germline): Conflicting classifications of pathogenicity. Review status: criteria provided, conflicting classifications (1 of 4 stars). 8 submissions from 8 submitters: Uncertain significance (2); Likely benign (5). 1 of the submissions does not count toward it. Last evaluated 2026-01-13.

Conditions:
POLG-related disorder. Also called: POLG-related condition; POLG-Related Disorders; POLG-Related Spectrum Disorders. Identifiers: MedGen C4763519.
Hereditary spastic paraplegia. Also called: Familial spastic paraparesis. Identifiers: Orphanet 685, MedGen C0037773, MONDO:0019064. Disease mechanism: loss of function.
Progressive sclerosing poliodystrophy (MTDPS4A). Also called: ALPERS PROGRESSIVE INFANTILE POLIODYSTROPHY; NEURONAL DEGENERATION OF CHILDHOOD WITH LIVER DISEASE, PROGRESSIVE; Alpers-Huttenlocher Syndrome (AHS); Alpers Syndrome; Mitochondrial DNA Depletion Syndrome 4A; ALPERS DIFFUSE DEGENERATION OF CEREBRAL GRAY MATTER WITH HEPATIC CIRRHOSIS. Identifiers: Orphanet 726, MedGen C0205710, MONDO:0008758, OMIM 203700.

Allele frequency attached by ClinVar (database versions not stated): gnomAD 0.00004 and 0.00005; TOPMed 0.00006; gnomAD exomes 0.00008 and 0.00013; ExAC 0.00011.
gnomAD v4.1: 186 of 1,613,850 alleles (0.012%); highest among the groups gnomAD compares: Non-Finnish European, 0.015%; no homozygotes.

Submissions (8):

Labcorp Genetics (formerly Invitae), Labcorp
Classification: Likely benign for Progressive sclerosing poliodystrophy. Last evaluated: 2026-01-13. Review status: criteria provided, single submitter. Criteria: Invitae Variant Classification Sherloc (09022015). Collection method: clinical testing. Allele origin: germline.

ARUP Laboratories, Molecular Genetics and Genomics, ARUP Laboratories
Classification: Likely benign. Last evaluated: 2025-04-18. Review status: criteria provided, single submitter. Criteria: ARUP Molecular Germline Variant Investigation Process 2024. Collection method: clinical testing. Allele origin: germline.

Mayo Clinic Laboratories, Mayo Clinic
Classification: Likely benign. Last evaluated: 2025-04-08. Review status: criteria provided, single submitter. Criteria: ACMG Guidelines, 2015. Collection method: clinical testing. Allele origin: germline. Observed: 2 variant alleles.
Comment: BP4, BP7

GeneDx
Classification: Likely benign. Last evaluated: 2020-09-04. Review status: criteria provided, single submitter. Criteria: GeneDx Variant Classification Process June 2021. Collection method: clinical testing. Allele origin: germline. Affected: yes.

Genome Diagnostics Laboratory, The Hospital for Sick Children
Classification: Uncertain significance for Hereditary spastic paraplegia. Last evaluated: 2019-06-01. Review status: criteria provided, single submitter. Criteria: ACMG Guidelines, 2015. Collection method: clinical testing. Allele origin: germline. Affected: yes.

Wong Mito Lab, Molecular and Human Genetics, Baylor College of Medicine
Classification: Likely benign for Progressive sclerosing poliodystrophy. Last evaluated: 2018-10-01. Review status: criteria provided, single submitter. Criteria: ACMG Guidelines, 2015. Collection method: clinical testing. Allele origin: germline.
Comment: The NM_002693.2:c.2880C>T (NP_002684.1:p.Pro960=) [GRCH38: NC_000015.10:g.89320867G>A] variant in POLG gene is interpretated to be a Likely Benign based on ACMG guidelines (PMID: 25741868). This variant meets the following evidence codes reported in the ACMG-guideline. BS1:The minor allele frequency of this allele is high for Mitochondrial DNA depletion syndrome 4A (Alpers type). BP4:Computational evidence/predictors indicate no impact on the POLG structure, function, or protein-protein interaction. BP7:The variant is silent with non predicted splice impact. Based on the evidence criteria codes applied, the variant is suggested to be Likely Benign.

Eurofins Ntd Llc (ga)
Classification: Uncertain significance. Last evaluated: 2018-07-24. Review status: criteria provided, single submitter. Criteria: EGL ClinVar v180209 classification definitions. Collection method: clinical testing. Allele origin: germline. Observed: 2 variant alleles, 2 heterozygotes.

PreventionGenetics, part of Exact Sciences
Classification: Likely benign for POLG-related condition. Last evaluated: 2019-07-23. Review status: no assertion criteria provided. Collection method: clinical testing. Allele origin: germline. Not counted in ClinVar's aggregate classification.
Comment: This variant is classified as likely benign based on ACMG/AMP sequence variant interpretation guidelines (Richards et al. 2015 PMID: 25741868, with internal and published modifications).

NM_002693.3(POLG):c.2880C>T (p.Pro960=)

Gene: POLG (DNA polymerase gamma, catalytic subunit; minus strand). Cytogenetic location: 15q26.1.
Variant type: single nucleotide variant.
Coding change: c.2880C>T on transcript NM_002693.3 (MANE Select); coding-DNA position 2880, C replaced by T.
Protein change: p.Pro960=; no amino-acid change (proline 960 retained).
Molecular consequence: synonymous variant.
Genome position (GRCh38, 1-based): chr15:89,320,867, G>A on the plus strand (C>T on the coding strand, the complement: POLG is on the minus strand). VCF-style: chr15-89320867-G-A. GRCh37 (hg19) VCF-style: chr15-89864098-G-A.
Other names: p.Pro960=; c.2880C>T, p.Pro960= (NM_001126131.2).
Identifiers: ClinVar variation 378415 (VCV000378415.24), dbSNP rs752500492, ClinGen allele CA7724332.